The following is an entry in ClinVar:

NM_005633.4(SOS1):c.835G>T (p.Val279Leu)

Gene: SOS1 (SOS Ras/Rac guanine nucleotide exchange factor 1; minus strand). Cytogenetic location: 2p22.1.
Variant type: single nucleotide variant.
Coding change: c.835G>T on transcript NM_005633.4 (MANE Select); coding-DNA position 835, G replaced by T.
Protein change: p.Val279Leu; replaces valine 279 with leucine.
Molecular consequence: missense variant.
Genome position (GRCh38, 1-based): chr2:39,051,173, C>A on the plus strand (G>T on the coding strand, the complement: SOS1 is on the minus strand). VCF-style: chr2-39051173-C-A. GRCh37 (hg19) VCF-style: chr2-39278314-C-A.
Other names: c.814G>T, p.Val272Leu (NM_001382394.1); c.835G>T, p.Val279Leu (NM_001382395.1); short protein forms V272L, V279L.
Identifiers: ClinVar variation 2443667 (VCV002443667.2), dbSNP rs188055807, ClinGen allele CA346367606.

ClinVar aggregate classification (germline): Uncertain significance (1 of 4 stars; one submission).

Submission:

GeneDx
Classification: Uncertain significance. Last evaluated: 2025-10-09. Review status: criteria provided, single submitter. Criteria: GeneDx Variant Classification Process June 2021. Collection method: clinical testing. Allele origin: germline. Affected: yes.
Comment: Not observed at significant frequency in large population cohorts (gnomAD); Missense variants in this gene are a common cause of disease and they are underrepresented in the general population; In silico analysis suggests that this missense variant does not alter protein structure/function; Has not been previously published as pathogenic or benign to our knowledge; This variant is associated with the following publications: (PMID: 29493581)